The following is an entry in ClinVar:

NM_001267550.2(TTN):c.105131G>A (p.Arg35044Lys)

Genes: TTN-AS1 (TTN antisense RNA 1; plus strand), TTN (titin; minus strand), LOC129935185 (ATAC-STARR-seq lymphoblastoid active region 16810; plus strand). Cytogenetic location: 2q31.2.
Variant type: single nucleotide variant.
Coding change: c.105131G>A on transcript NM_001267550.2 (MANE Select); coding-DNA position 105131, G replaced by A.
Protein change: p.Arg35044Lys; replaces arginine 35044 with lysine.
Molecular consequence: missense variant.
Genome position (GRCh38, 1-based): chr2:178,531,484, C>T on the plus strand (G>A on the coding strand, the complement: TTN is on the minus strand). VCF-style: chr2-178531484-C-T. GRCh37 (hg19) VCF-style: chr2-179396211-C-T.
Other names: c.100208G>A, p.Arg33403Lys (NM_001256850.1); c.77936G>A, p.Arg25979Lys (NM_003319.4); c.97427G>A, p.Arg32476Lys (NM_133378.4); c.78311G>A, p.Arg26104Lys (NM_133432.3); c.78512G>A, p.Arg26171Lys (NM_133437.4); short protein forms R25979K, R26104K, R26171K, R32476K, R33403K, R35044K.
Identifiers: ClinVar variation 3754601 (VCV003754601.2).

ClinVar aggregate classification (germline): Uncertain significance (1 of 4 stars; one submission).

Conditions:
Autosomal recessive limb-girdle muscular dystrophy type 2J (LGMDR10). Also called: Limb-girdle muscular dystrophy, type 2J; MUSCULAR DYSTROPHY, LIMB-GIRDLE, AUTOSOMAL RECESSIVE 10. Identifiers: Orphanet 140922, MedGen C1837342, MONDO:0012127, OMIM 608807.
Dilated cardiomyopathy 1G (CMD1G). Identifiers: Orphanet 154, MedGen C1858763, MONDO:0011400, OMIM 604145.

Submission:

Labcorp Genetics (formerly Invitae), Labcorp
Classification: Uncertain significance for Dilated cardiomyopathy 1G; Autosomal recessive limb-girdle muscular dystrophy type 2J. Last evaluated: 2024-07-03. Review status: criteria provided, single submitter. Criteria: Invitae Variant Classification Sherloc (09022015). Collection method: clinical testing. Allele origin: germline.
Comment: This sequence change replaces arginine, which is basic and polar, with lysine, which is basic and polar, at codon 35044 of the TTN protein (p.Arg35044Lys). This variant is not present in population databases (gnomAD no frequency). This variant has not been reported in the literature in individuals affected with TTN-related conditions. Algorithms developed to predict the effect of missense changes on protein structure and function output the following: SIFT: "Not Available"; PolyPhen-2: "Not Available"; Align-GVGD: "Not Available". The lysine amino acid residue is found in multiple mammalian species, which suggests that this missense change does not adversely affect protein function. This variant is located in the M band of TTN (PMID: 25589632). Non-truncating variants in this region may be relevant for neuromuscular disorders, but have not been definitively shown to cause cardiomyopathy (PMID: 23975875). In summary, the available evidence is currently insufficient to determine the role of this variant in disease. Therefore, it has been classified as a Variant of Uncertain Significance.

Literature cited by the submitters: PubMed 25589632; PubMed 23975875.